The following is an entry in ClinVar:

ClinVar aggregate classification (germline): Conflicting classifications of pathogenicity. Review status: criteria provided, conflicting classifications (1 of 4 stars). 4 submissions from 4 submitters: Uncertain significance (2); Likely benign (2). Last evaluated 2026-08-04.

Conditions:
MAP3K1-related disorder. Also called: MAP3K1-related condition.
46,XY sex reversal 6. Also called: 46,XY GONADAL DYSGENESIS, PARTIAL OR COMPLETE, MAP3K1-RELATED; 46,XY SEX REVERSAL, PARTIAL OR COMPLETE, MAP3K1-RELATED. Identifiers: MedGen C3151064, MONDO:0013410, OMIM 613762.

Allele frequency attached by ClinVar (database versions not stated): ExAC below 0.00001; TOPMed 0.00002; 1000 Genomes Project 0.00120; 1000 Genomes Project 30x 0.00141.
gnomAD v4.1: 159 of 1,222,046 alleles (0.013%); highest among the groups gnomAD compares: South Asian, 0.49%; 1 homozygote.

Submissions (4):

PreventionGenetics, part of Exact Sciences
Classification: Likely benign for MAP3K1-related condition. Last evaluated: 2026-08-04. Review status: criteria provided, single submitter. Criteria: ACMG Guidelines, 2015. Collection method: clinical testing. Allele origin: germline.
Comment: This variant is classified as likely benign based on ACMG/AMP sequence variant interpretation guidelines (Richards et al. 2015 PMID: 25741868, with internal and published modifications).

Labcorp Genetics (formerly Invitae), Labcorp
Classification: Uncertain significance for 46,XY sex reversal 6. Last evaluated: 2025-05-18. Review status: criteria provided, single submitter. Criteria: Invitae Variant Classification Sherloc (09022015). Collection method: clinical testing. Allele origin: germline.
Comment: This sequence change replaces proline, which is neutral and non-polar, with leucine, which is neutral and non-polar, at codon 153 of the MAP3K1 protein (p.Pro153Leu). This variant is not present in population databases (gnomAD no frequency). This missense change has been observed in individuals with gonadal dysplasia (PMID: 24135036; internal data). ClinVar contains an entry for this variant (Variation ID: 435820). Invitae Evidence Modeling of protein sequence and biophysical properties (such as structural, functional, and spatial information, amino acid conservation, physicochemical variation, residue mobility, and thermodynamic stability) indicates that this missense variant is not expected to disrupt MAP3K1 protein function with a negative predictive value of 95%. Experimental studies have shown that this missense change affects MAP3K1 function (PMID: 24135036, 30608580). In summary, the available evidence is currently insufficient to determine the role of this variant in disease. Therefore, it has been classified as a Variant of Uncertain Significance.

GeneDx
Classification: Uncertain significance. Last evaluated: 2018-05-16. Review status: criteria provided, single submitter. Criteria: GeneDx Variant Classification (06012015). Collection method: clinical testing. Allele origin: germline. Affected: yes.
Comment: The P153L variant in the MAP3K1 gene has been reported previously in an individual with abnormal gonadal development with no further clinical details provided (Loke et al., 2014). Functional studies of this variant demonstrated altered binding of protein co-factors and increased phosphorylation of downstream targets, suggesting a possible gain of function (Loke et al., 2014). However, the clinical validity of these functional studies is unknown (Bashamboo et al., 2015). The P153L variant is not observed in large population cohorts (Lek et al., 2016). The P153L variant is a semi-conservative amino acid substitution, which may impact secondary protein structure as these residues differ in some properties. However, in-silico analyses, including protein predictors and evolutionary conservation, support that this variant does not alter protein structure/function. We interpret P153L as a variant of uncertain significance.

Genetic Services Laboratory, University of Chicago
Classification: Likely benign. Last evaluated: 2017-01-05. Review status: criteria provided, single submitter. Criteria: ACMG Guidelines, 2015. Collection method: clinical testing. Allele origin: germline. Affected: no.

Literature cited by the submitters: PubMed 24135036 (cited by Labcorp Genetics (formerly Invitae), Labcorp); PubMed 30608580 (cited by Labcorp Genetics (formerly Invitae), Labcorp).

NM_005921.2(MAP3K1):c.458C>T (p.Pro153Leu)

Genes: MAP3K1 (mitogen-activated protein kinase kinase kinase 1; plus strand), LOC129993918 (ATAC-STARR-seq lymphoblastoid silent region 16021; plus strand). Cytogenetic location: 5q11.2.
Variant type: single nucleotide variant.
Coding change: c.458C>T on transcript NM_005921.2 (MANE Select); coding-DNA position 458, C replaced by T.
Protein change: p.Pro153Leu; replaces proline 153 with leucine.
Molecular consequence: missense variant.
Genome position (GRCh38, 1-based): chr5:56,816,031, C>T. VCF-style: chr5-56816031-C-T. GRCh37 (hg19) VCF-style: chr5-56111858-C-T.
Other names: short protein forms P153L.
Identifiers: ClinVar variation 435820 (VCV000435820.11), dbSNP rs576080629, ClinGen allele CA3272524.